The following is an entry in ClinVar:

ClinVar aggregate classification (germline): Uncertain significance. Review status: criteria provided, multiple submitters, no conflicts (2 of 4 stars). 2 submissions from 2 submitters: Uncertain significance (2). Last evaluated 2022-02-19.

Conditions:
Autosomal recessive ataxia, Beauce type. Also called: Spinocerebellar ataxia, autosomal recessive 8; ATAXIA, RECESSIVE, OF BEAUCE; SYNE1 Deficiency; SYNE1-Related Autosomal Recessive Cerebellar Ataxia. Identifiers: Orphanet 88644, MedGen C1853116, MONDO:0012549, OMIM 610743.
Emery-Dreifuss muscular dystrophy 4, autosomal dominant (EDMD4). Also called: EMERY-DREIFUSS MUSCULAR DYSTROPHY 4 WITH VARIABLE FEATURES. Identifiers: Orphanet 261, MedGen C2751807, MONDO:0013071, OMIM 612998.

Allele frequency attached by ClinVar (database versions not stated): TOPMed 0.00001; gnomAD exomes below 0.00001.
gnomAD v4.1: 4 of 1,614,164 alleles (0.00025%); highest among the groups gnomAD compares: Non-Finnish European, 0.00034%; no homozygotes.

Submissions (2):

Labcorp Genetics (formerly Invitae), Labcorp
Classification: Uncertain significance for Emery-Dreifuss muscular dystrophy 4, autosomal dominant; Autosomal recessive ataxia, Beauce type. Last evaluated: 2022-02-19. Review status: criteria provided, single submitter. Criteria: Invitae Variant Classification Sherloc (09022015). Collection method: clinical testing. Allele origin: germline.
Comment: This sequence change replaces isoleucine, which is neutral and non-polar, with threonine, which is neutral and polar, at codon 8113 of the SYNE1 protein (p.Ile8113Thr). This variant is present in population databases (no rsID available, gnomAD 0.0009%). This variant has not been reported in the literature in individuals affected with SYNE1-related conditions. ClinVar contains an entry for this variant (Variation ID: 597399). Algorithms developed to predict the effect of missense changes on protein structure and function are either unavailable or do not agree on the potential impact of this missense change (SIFT: "Deleterious"; PolyPhen-2: "Benign"; Align-GVGD: "Class C0"). In summary, the available evidence is currently insufficient to determine the role of this variant in disease. Therefore, it has been classified as a Variant of Uncertain Significance.

Eurofins Ntd Llc (ga)
Classification: Uncertain significance. Last evaluated: 2018-06-01. Review status: criteria provided, single submitter. Criteria: EGL ClinVar v180209 classification definitions. Collection method: clinical testing. Allele origin: germline. Observed: 1 variant allele, 1 heterozygote.

NM_182961.4(SYNE1):c.24551T>C (p.Ile8184Thr)

Gene: SYNE1 (spectrin repeat containing nuclear envelope protein 1; minus strand). Cytogenetic location: 6q25.2.
Variant type: single nucleotide variant.
Coding change: c.24551T>C on transcript NM_182961.4 (MANE Select); coding-DNA position 24551, T replaced by C.
Protein change: p.Ile8184Thr; replaces isoleucine 8184 with threonine.
Molecular consequence: missense variant.
Genome position (GRCh38, 1-based): chr6:152,149,568, A>G on the plus strand (T>C on the coding strand, the complement: SYNE1 is on the minus strand). VCF-style: chr6-152149568-A-G. GRCh37 (hg19) VCF-style: chr6-152470703-A-G.
Other names: c.1157T>C, p.Ile386Thr (NM_001347701.2); c.1016T>C, p.Ile339Thr (NM_001347702.2); c.24338T>C, p.Ile8113Thr (NM_033071.5); short protein forms I8113T, I8184T, I339T, I386T.
Identifiers: ClinVar variation 597399 (VCV000597399.8), dbSNP rs1344598258, ClinGen allele CA366086259.
Genomic context (GRCh38, chr6:152,149,568, plus strand): 5'-TCCACACGCCCGAAGACCTCCTGGCAGTACCGTCGGAGCTCATCTAGTTCCTCCTCGATG[A>G]TCGCTGCATCCAAGGGCTCACTCTTTTCTATCAGCTGTTCTCCTTGGGCAATTATCTGCT-3'
Protein context (NP_892006.3, residues 8174-8194): IEKSEPLDAA[Ile8184Thr]IEEELDELRR